The following is an entry in ClinVar:

NM_020631.6(PLEKHG5):c.1955T>C (p.Leu652Pro)

Gene: PLEKHG5 (pleckstrin homology and RhoGEF domain containing G5; minus strand). Cytogenetic location: 1p36.31.
Variant type: single nucleotide variant.
Coding change: c.1955T>C on transcript NM_020631.6 (MANE Select); coding-DNA position 1955, T replaced by C.
Protein change: p.Leu652Pro; replaces leucine 652 with proline.
Molecular consequence: missense variant.
Genome position (GRCh38, 1-based): chr1:6,469,429, A>G on the plus strand (T>C on the coding strand, the complement: PLEKHG5 is on the minus strand). VCF-style: chr1-6469429-A-G. GRCh37 (hg19) VCF-style: chr1-6529489-A-G.
Other names: c.2066T>C, p.Leu689Pro (NM_001042663.3, NM_001265592.2); c.1955T>C, p.Leu652Pro (NM_001042664.2, NM_001042665.2, NM_001265594.3 and 1 more transcripts); c.2162T>C, p.Leu721Pro (NM_001265593.2); short protein forms L652P, L689P, L721P.
Identifiers: ClinVar variation 1035762 (VCV001035762.11), dbSNP rs1644500916, ClinGen allele CA338119866.

ClinVar aggregate classification (germline): Uncertain significance (1 of 4 stars; one submission).

Conditions:
Charcot-Marie-Tooth disease recessive intermediate C. Also called: CHARCOT-MARIE-TOOTH NEUROPATHY, RECESSIVE INTERMEDIATE C. Identifiers: Orphanet 369867, MedGen C3809309, MONDO:0014154, OMIM 615376.
Neuronopathy, distal hereditary motor, autosomal recessive 4. Also called: Autosomal recessive lower motor neuron disease with childhood onset; NEUROPATHY, DISTAL HEREDITARY MOTOR, AUTOSOMAL RECESSIVE 4. Identifiers: Orphanet 206580, MedGen C1970211, MONDO:0012608, OMIM 611067.

Submission:

Labcorp Genetics (formerly Invitae), Labcorp
Classification: Uncertain significance for Neuronopathy, distal hereditary motor, autosomal recessive 4; Charcot-Marie-Tooth disease recessive intermediate C. Last evaluated: 2023-08-30. Review status: criteria provided, single submitter. Criteria: Invitae Variant Classification Sherloc (09022015). Collection method: clinical testing. Allele origin: germline.
Comment: In summary, the available evidence is currently insufficient to determine the role of this variant in disease. Therefore, it has been classified as a Variant of Uncertain Significance. An algorithm developed to predict the effect of missense changes on protein structure and function (PolyPhen-2) suggests that this variant is likely to be disruptive. ClinVar contains an entry for this variant (Variation ID: 1035762). This variant has not been reported in the literature in individuals affected with PLEKHG5-related conditions. This variant is not present in population databases (gnomAD no frequency). This sequence change replaces leucine, which is neutral and non-polar, with proline, which is neutral and non-polar, at codon 652 of the PLEKHG5 protein (p.Leu652Pro).